The following is an entry in ClinVar:

ClinVar aggregate classification (germline): Uncertain significance (1 of 4 stars; one submission).

Allele frequency attached by ClinVar (database versions not stated): gnomAD exomes below 0.00001.
gnomAD v4.1: 5 of 1,613,984 alleles (0.00031%); highest among the groups gnomAD compares: South Asian, 0.0011%; no homozygotes.

Submission:

Labcorp Genetics (formerly Invitae), Labcorp
Classification: Uncertain significance. Last evaluated: 2021-08-26. Review status: criteria provided, single submitter. Criteria: Invitae Variant Classification Sherloc (09022015). Collection method: clinical testing. Allele origin: germline.
Comment: This sequence change replaces glutamic acid with lysine at codon 3126 of the SZT2 protein (p.Glu3126Lys). The glutamic acid residue is highly conserved and there is a small physicochemical difference between glutamic acid and lysine. This variant is not present in population databases (ExAC no frequency). This variant has not been reported in the literature in individuals affected with SZT2-related conditions. Algorithms developed to predict the effect of missense changes on protein structure and function (SIFT, PolyPhen-2, Align-GVGD) all suggest that this variant is likely to be disruptive. In summary, the available evidence is currently insufficient to determine the role of this variant in disease. Therefore, it has been classified as a Variant of Uncertain Significance.

NM_001365999.1(SZT2):c.9547G>A (p.Glu3183Lys)

Genes: SZT2 (SZT2 subunit of KICSTOR complex; plus strand), SZT2-AS1 (SZT2 antisense RNA 1; minus strand). Cytogenetic location: 1p34.2.
Variant type: single nucleotide variant.
Coding change: c.9547G>A on transcript NM_001365999.1 (MANE Select); coding-DNA position 9547, G replaced by A.
Protein change: p.Glu3183Lys; replaces glutamic acid 3183 with lysine.
Molecular consequence: missense variant.
Genome position (GRCh38, 1-based): chr1:43,447,955, G>A. VCF-style: chr1-43447955-G-A. GRCh37 (hg19) VCF-style: chr1-43913626-G-A.
Other names: c.9376G>A, p.Glu3126Lys (NM_015284.4); short protein forms E3126K, E3183K.
Identifiers: ClinVar variation 1416523 (VCV001416523.5), dbSNP rs772006871, ClinGen allele CA21652850.